The following is an entry in ClinVar:

ClinVar aggregate classification (germline): Uncertain significance (1 of 4 stars; one submission).

Conditions:
Inborn genetic diseases. Identifiers: MedGen C0950123, MeSH D030342.

Submission:

Ambry Genetics
Classification: Uncertain significance for Inborn genetic diseases. Last evaluated: 2023-12-14. Review status: criteria provided, single submitter. Criteria: Ambry Variant Classification Scheme 2023. Collection method: clinical testing. Allele origin: germline.
Comment: The p.D15V variant (also known as c.44A>T), located in coding exon 2 of the ERCC2 gene, results from an A to T substitution at nucleotide position 44. The aspartic acid at codon 15 is replaced by valine, an amino acid with highly dissimilar properties. This amino acid position is conserved. In addition, this alteration is predicted to be deleterious by in silico analysis. Since supporting evidence is limited at this time, the clinical significance of this alteration remains unclear.

NM_000400.4(ERCC2):c.44A>T (p.Asp15Val)

Gene: ERCC2 (ERCC excision repair 2, TFIIH core complex helicase subunit; minus strand). Cytogenetic location: 19q13.32.
Variant type: single nucleotide variant.
Coding change: c.44A>T on transcript NM_000400.4 (MANE Select); coding-DNA position 44, A replaced by T.
Protein change: p.Asp15Val; replaces aspartic acid 15 with valine.
Molecular consequence: missense variant. On other transcripts: 5 prime UTR variant (1).
Genome position (GRCh38, 1-based): chr19:45,370,194, T>A on the plus strand (A>T on the coding strand, the complement: ERCC2 is on the minus strand). VCF-style: chr19-45370194-T-A. GRCh37 (hg19) VCF-style: chr19-45873452-T-A.
Other names: c.-29A>T (NM_001130867.2); short protein forms D15V.
Identifiers: ClinVar variation 3231699 (VCV003231699.1), dbSNP rs2514048588, ClinGen allele CA406380093.
Genomic context (GRCh38, chr19:45,370,194, plus strand): 5'-TTGGCGTCCAGCGTGCGTTTGAGCTCCCGCATGTAGGAGAACTGCTCGGGGTAGATGTAG[T>A]CGTACGGGAAGTAGACCAGGAGCCCGTCCACGTTGAGCCTGGCGGCAGGGGCTGCTGGGT-3'
Protein context (NP_000391.1, residues 5-25): VDGLLVYFPY[Asp15Val]YIYPEQFSYM